The following is an entry in ClinVar:

ClinVar aggregate classification (germline): Likely benign. Review status: criteria provided, multiple submitters, no conflicts (2 of 4 stars). 2 submissions from 2 submitters: Likely benign (2). Last evaluated 2026-02-01.

Allele frequency attached by ClinVar (database versions not stated): gnomAD 0.00006 and 0.00007; TOPMed 0.00011; ESP Exome Variant Server 0.00023; gnomAD exomes 0.00004.
gnomAD v4.1: 70 of 1,538,572 alleles (0.0045%); highest among the groups gnomAD compares: Admixed American, 0.01%; no homozygotes.

Submissions (2):

CeGaT Center for Human Genetics Tuebingen
Classification: Likely benign. Last evaluated: 2026-02-01. Review status: criteria provided, single submitter. Criteria: CeGaT Center For Human Genetics Tuebingen Variant Classification Criteria Version 2. Collection method: clinical testing. Allele origin: germline. Affected: yes. Observed: 1 variant allele.
Comment: PDE4D: BP4, BP7

Labcorp Genetics (formerly Invitae), Labcorp
Classification: Likely benign. Last evaluated: 2025-09-30. Review status: criteria provided, single submitter. Criteria: Invitae Variant Classification Sherloc (09022015). Collection method: clinical testing. Allele origin: germline.

NM_001104631.2(PDE4D):c.75G>C (p.Thr25=)

Gene: PDE4D (phosphodiesterase 4D; minus strand). Cytogenetic location: 5q12.1.
Variant type: single nucleotide variant.
Coding change: c.75G>C on transcript NM_001104631.2 (MANE Select); coding-DNA position 75, G replaced by C.
Protein change: p.Thr25=; no amino-acid change (threonine 25 retained).
Molecular consequence: synonymous variant. On other transcripts: intron variant (5).
Genome position (GRCh38, 1-based): chr5:59,893,548, C>G on the plus strand (G>C on the coding strand, the complement: PDE4D is on the minus strand). VCF-style: chr5-59893548-C-G. GRCh37 (hg19) VCF-style: chr5-59189375-C-G.
Other names: c.272+94940G>C (NM_001364599.1, NM_001165899.2, NM_001364600.2); c.-240+94940G>C (NM_001349243.2); c.242+94940G>C (NM_001349241.2).
Identifiers: ClinVar variation 1572523 (VCV001572523.12), dbSNP rs376018608, ClinGen allele CA119327232.